The following is an entry in ClinVar:

ClinVar aggregate classification (germline): Uncertain significance (1 of 4 stars; one submission).

Conditions:
Baller-Gerold syndrome (BGS). Also called: CRANIOSYNOSTOSIS WITH RADIAL DEFECTS. Identifiers: Orphanet 1225, MedGen C0265308, MONDO:0009039, OMIM 218600.

gnomAD v4.1: 1 of 1,612,510 alleles (0.000062%); no homozygotes.

Submission:

Labcorp Genetics (formerly Invitae), Labcorp
Classification: Uncertain significance for Baller-Gerold syndrome. Last evaluated: 2023-04-06. Review status: criteria provided, single submitter. Criteria: Invitae Variant Classification Sherloc (09022015). Collection method: clinical testing. Allele origin: germline.
Comment: In summary, the available evidence is currently insufficient to determine the role of this variant in disease. Therefore, it has been classified as a Variant of Uncertain Significance. Advanced modeling of protein sequence and biophysical properties (such as structural, functional, and spatial information, amino acid conservation, physicochemical variation, residue mobility, and thermodynamic stability) performed at Invitae indicates that this missense variant is expected to disrupt RECQL4 protein function. ClinVar contains an entry for this variant (Variation ID: 459437). This variant has not been reported in the literature in individuals affected with RECQL4-related conditions. This variant is not present in population databases (gnomAD no frequency). This sequence change replaces cysteine, which is neutral and slightly polar, with tyrosine, which is neutral and polar, at codon 945 of the RECQL4 protein (p.Cys945Tyr).

NM_004260.4(RECQL4):c.2834G>A (p.Cys945Tyr)

Gene: RECQL4 (RecQ like helicase 4; minus strand). Cytogenetic location: 8q24.3.
Variant type: single nucleotide variant.
Coding change: c.2834G>A on transcript NM_004260.4 (MANE Select); coding-DNA position 2834, G replaced by A.
Protein change: p.Cys945Tyr; replaces cysteine 945 with tyrosine.
Molecular consequence: missense variant.
Genome position (GRCh38, 1-based): chr8:144,512,693, C>T on the plus strand (G>A on the coding strand, the complement: RECQL4 is on the minus strand). VCF-style: chr8-144512693-C-T. GRCh37 (hg19) VCF-style: chr8-145738076-C-T.
Other names: short protein forms C945Y.
Identifiers: ClinVar variation 459437 (VCV000459437.3), dbSNP rs1554897223, ClinGen allele CA372674127.
Genomic context (GRCh38, chr8:144,512,693, plus strand): 5'-CGTGCTTACCTGTGGGCCAGGGCCTGGAGCTGGGCAGGGCCCCCAGGGCAGTTCAGACGG[C>T]AATGGGTATAGGTGGTCGCCAGCAGCTCCAGCCAGTGGTGTGGGTGCAGCTCCAGGTAGC-3'
Protein context (NP_004251.4, residues 935-955): LELLATTYTH[Cys945Tyr]RLNCPGGPAQ